The following is an entry in ClinVar:

ClinVar aggregate classification (germline): Benign/Likely benign. Review status: criteria provided, multiple submitters, no conflicts (2 of 4 stars). 4 submissions from 4 submitters: Benign (2); Likely benign (2). Last evaluated 2025-04-17.

Conditions:
BAP1-related tumor predisposition syndrome (TPDS1). Also called: COMMON Syndrome; TUMOR PREDISPOSITION SYNDROME 1; BAP1 tumor predisposition syndrome; Tumor susceptibility linked to germline BAP1 mutations. Identifiers: Orphanet 289539, MedGen C3280492, MONDO:0013692, OMIM 614327.
Hereditary cancer-predisposing syndrome. Also called: Neoplastic Syndromes, Hereditary; Hereditary Cancer Syndrome; Hereditary neoplastic syndrome; Tumor predisposition. Identifiers: Orphanet 140162, MedGen C0027672, MeSH D009386, MONDO:0015356.

Allele frequency attached by ClinVar (database versions not stated): gnomAD 0.00001 and 0.00003; gnomAD exomes 0.00002; TOPMed 0.00002.
gnomAD v4.1: 20 of 1,613,810 alleles (0.0012%); highest among the groups gnomAD compares: South Asian, 0.019%; no homozygotes.

Submissions (4):

Labcorp Genetics (formerly Invitae), Labcorp
Classification: Likely benign for BAP1-related tumor predisposition syndrome. Last evaluated: 2025-04-17. Review status: criteria provided, single submitter. Criteria: Invitae Variant Classification Sherloc (09022015). Collection method: clinical testing. Allele origin: germline.

Center for Genomic Medicine, Rigshospitalet, Copenhagen University Hospital
Classification: Likely benign. Last evaluated: 2025-03-04. Review status: criteria provided, single submitter. Criteria: ACMG Guidelines, 2015. Collection method: clinical testing. Allele origin: germline.

Myriad Genetics, Inc.
Classification: Benign for BAP1-related tumor predisposition syndrome. Last evaluated: 2024-07-12. Review status: criteria provided, single submitter. Criteria: Myriad Autosomal Dominant, Autosomal Recessive and X-Linked Classification Criteria (2023). Collection method: clinical testing. Allele origin: unknown.
Comment: This variant is considered benign. This variant is a silent/synonymous amino acid change and it is not expected to impact splicing.

Ambry Genetics
Classification: Benign for Hereditary cancer-predisposing syndrome. Last evaluated: 2021-12-17. Review status: criteria provided, single submitter. Criteria: Ambry Variant Classification Scheme 2023. Collection method: clinical testing. Allele origin: germline.

NM_004656.4(BAP1):c.360G>A (p.Lys120=)

Gene: BAP1 (BRCA1 associated deubiquitinase 1; minus strand). Cytogenetic location: 3p21.1.
Variant type: single nucleotide variant.
Coding change: c.360G>A on transcript NM_004656.4 (MANE Select); coding-DNA position 360, G replaced by A.
Protein change: p.Lys120=; no amino-acid change (lysine 120 retained).
Molecular consequence: synonymous variant.
Genome position (GRCh38, 1-based): chr3:52,407,973, C>T on the plus strand (G>A on the coding strand, the complement: BAP1 is on the minus strand). VCF-style: chr3-52407973-C-T. GRCh37 (hg19) VCF-style: chr3-52441989-C-T.
Identifiers: ClinVar variation 539942 (VCV000539942.12), dbSNP rs749405309, ClinGen allele CA2437118.